The following is an entry in ClinVar:

ClinVar aggregate classification (germline): Uncertain significance. Review status: criteria provided, multiple submitters, no conflicts (2 of 4 stars). 3 submissions from 3 submitters: Uncertain significance (3). Last evaluated 2025-04-28.

Conditions:
Deficiency of alpha-mannosidase (MANSA). Also called: Mannosidosis, alpha-, types I and II; LYSOSOMAL ALPHA-D-MANNOSIDASE DEFICIENCY; Alpha-Mannosidosis. Identifiers: Orphanet 61, MedGen C0024748, MONDO:0009561, OMIM 248500.
Inborn genetic diseases. Identifiers: MedGen C0950123, MeSH D030342.

Allele frequency attached by ClinVar (database versions not stated): gnomAD exomes below 0.00001; TOPMed below 0.00001.

Submissions (3):

Ambry Genetics
Classification: Uncertain significance for Inborn genetic diseases. Last evaluated: 2025-04-28. Review status: criteria provided, single submitter. Criteria: Ambry Variant Classification Scheme 2023. Collection method: clinical testing. Allele origin: germline.

Genomic Medicine Center of Excellence, King Faisal Specialist Hospital and Research Centre
Classification: Uncertain significance for Deficiency of alpha-mannosidase. Last evaluated: 2024-04-04. Review status: criteria provided, single submitter. Criteria: ACMG Guidelines, 2015. Collection method: clinical testing. Allele origin: germline.

Labcorp Genetics (formerly Invitae), Labcorp
Classification: Uncertain significance for Deficiency of alpha-mannosidase. Last evaluated: 2022-02-08. Review status: criteria provided, single submitter. Criteria: Invitae Variant Classification Sherloc (09022015). Collection method: clinical testing. Allele origin: germline.
Comment: This sequence change replaces arginine, which is basic and polar, with cysteine, which is neutral and slightly polar, at codon 114 of the MAN2B1 protein (p.Arg114Cys). This variant is not present in population databases (gnomAD no frequency). This variant has not been reported in the literature in individuals affected with MAN2B1-related conditions. Algorithms developed to predict the effect of missense changes on protein structure and function (SIFT, PolyPhen-2, Align-GVGD) all suggest that this variant is likely to be disruptive. In summary, the available evidence is currently insufficient to determine the role of this variant in disease. Therefore, it has been classified as a Variant of Uncertain Significance.

NM_000528.4(MAN2B1):c.340C>T (p.Arg114Cys)

Gene: MAN2B1 (mannosidase alpha class 2B member 1; minus strand). Cytogenetic location: 19p13.13.
Variant type: single nucleotide variant.
Coding change: c.340C>T on transcript NM_000528.4 (MANE Select); coding-DNA position 340, C replaced by T.
Protein change: p.Arg114Cys; replaces arginine 114 with cysteine.
Molecular consequence: missense variant.
Genome position (GRCh38, 1-based): chr19:12,665,448, G>A on the plus strand (C>T on the coding strand, the complement: MAN2B1 is on the minus strand). VCF-style: chr19-12665448-G-A. GRCh37 (hg19) VCF-style: chr19-12776262-G-A.
Other names: c.340C>T (NM_000528.3); c.340C>T, p.Arg114Cys (NM_001173498.2); short protein forms R114C.
Identifiers: ClinVar variation 1991337 (VCV001991337.3), dbSNP rs1280493182, ClinGen allele CA404256771.